The following is an entry in ClinVar:

ClinVar aggregate classification (germline): Uncertain significance (1 of 4 stars; one submission).

Allele frequency attached by ClinVar (database versions not stated): gnomAD exomes below 0.00001; ExAC 0.00001; TOPMed 0.00001; gnomAD 0.00003.
gnomAD v4.1: 6 of 1,613,488 alleles (0.00037%); highest among the groups gnomAD compares: Non-Finnish European, 0.00051%; no homozygotes.

Submission:

Labcorp Genetics (formerly Invitae), Labcorp
Classification: Uncertain significance. Last evaluated: 2023-10-03. Review status: criteria provided, single submitter. Criteria: Invitae Variant Classification Sherloc (09022015). Collection method: clinical testing. Allele origin: germline.
Comment: This sequence change replaces asparagine, which is neutral and polar, with serine, which is neutral and polar, at codon 294 of the POLD2 protein (p.Asn294Ser). This variant is present in population databases (rs765899610, gnomAD 0.002%). This variant has not been reported in the literature in individuals affected with POLD2-related conditions. Algorithms developed to predict the effect of missense changes on protein structure and function output the following: SIFT: "Not Available"; PolyPhen-2: "Not Available"; Align-GVGD: "Not Available". The serine amino acid residue is found in multiple mammalian species, which suggests that this missense change does not adversely affect protein function. Algorithms developed to predict the effect of sequence changes on RNA splicing suggest that this variant may create or strengthen a splice site. In summary, the available evidence is currently insufficient to determine the role of this variant in disease. Therefore, it has been classified as a Variant of Uncertain Significance.

NM_006230.4(POLD2):c.776A>G (p.Asn259Ser)

Gene: POLD2 (DNA polymerase delta 2, accessory subunit; minus strand). Cytogenetic location: 7p13.
Variant type: single nucleotide variant.
Coding change: c.776A>G on transcript NM_006230.4 (MANE Select); coding-DNA position 776, A replaced by G.
Protein change: p.Asn259Ser; replaces asparagine 259 with serine.
Molecular consequence: missense variant.
Genome position (GRCh38, 1-based): chr7:44,116,821, T>C on the plus strand (A>G on the coding strand, the complement: POLD2 is on the minus strand). VCF-style: chr7-44116821-T-C. GRCh37 (hg19) VCF-style: chr7-44156420-T-C.
Other names: c.776A>G, p.Asn259Ser (NM_001127218.3, NM_001256879.2); short protein forms N259S.
Identifiers: ClinVar variation 2906171 (VCV002906171.3), dbSNP rs765899610, ClinGen allele CA4238736.